The following is an entry in ClinVar:

ClinVar aggregate classification (germline): Uncertain significance. Review status: criteria provided, multiple submitters, no conflicts (2 of 4 stars). 3 submissions from 3 submitters: Uncertain significance (3). Last evaluated 2024-09-03.

Conditions:
Primary ciliary dyskinesia. Also called: Ciliary dyskinesia. Identifiers: Orphanet 244, MedGen C0008780, MONDO:0016575, HP:0012265.

Allele frequency attached by ClinVar (database versions not stated): TOPMed 0.00002; gnomAD 0.00003; ExAC 0.00007; ESP Exome Variant Server 0.00008; gnomAD exomes 0.00010; 1000 Genomes Project 30x 0.00016; 1000 Genomes Project 0.00020.

Submissions (3):

Ambry Genetics
Classification: Uncertain significance for Primary ciliary dyskinesia. Last evaluated: 2024-09-03. Review status: criteria provided, single submitter. Criteria: Ambry Variant Classification Scheme 2023. Collection method: clinical testing. Allele origin: germline.

Labcorp Genetics (formerly Invitae), Labcorp
Classification: Uncertain significance for Primary ciliary dyskinesia. Last evaluated: 2023-08-05. Review status: criteria provided, single submitter. Criteria: Invitae Variant Classification Sherloc (09022015). Collection method: clinical testing. Allele origin: germline.
Comment: This sequence change replaces methionine, which is neutral and non-polar, with threonine, which is neutral and polar, at codon 261 of the RSPH4A protein (p.Met261Thr). This variant is present in population databases (rs202102790, gnomAD 0.04%). This variant has not been reported in the literature in individuals affected with RSPH4A-related conditions. Advanced modeling of protein sequence and biophysical properties (such as structural, functional, and spatial information, amino acid conservation, physicochemical variation, residue mobility, and thermodynamic stability) performed at Invitae indicates that this missense variant is not expected to disrupt RSPH4A protein function. In summary, the available evidence is currently insufficient to determine the role of this variant in disease. Therefore, it has been classified as a Variant of Uncertain Significance.

Blueprint Genetics
Classification: Uncertain significance. Last evaluated: 2023-06-01. Review status: criteria provided, single submitter. Criteria: ACMG Guidelines, 2015. Collection method: clinical testing. Allele origin: germline.

NM_001010892.3(RSPH4A):c.782T>C (p.Met261Thr)

Gene: RSPH4A (radial spoke head component 4A; plus strand). Cytogenetic location: 6q22.1.
Variant type: single nucleotide variant.
Coding change: c.782T>C on transcript NM_001010892.3 (MANE Select); coding-DNA position 782, T replaced by C.
Protein change: p.Met261Thr; replaces methionine 261 with threonine.
Molecular consequence: missense variant.
Genome position (GRCh38, 1-based): chr6:116,622,863, T>C. VCF-style: chr6-116622863-T-C. GRCh37 (hg19) VCF-style: chr6-116944026-T-C.
Other names: c.782T>C (NM_001010892.2); c.782T>C, p.Met261Thr (NM_001161664.2); short protein forms M261T.
Identifiers: ClinVar variation 2719152 (VCV002719152.4), dbSNP rs202102790, ClinGen allele CA3970836.
Genomic context (GRCh38, chr6:116,622,863, plus strand): 5'-TAAATGAGCGTCCTGAAAATGCTGTTGACATCTTTGAAAATATTAGCCAAGATGTGAAGA[T>C]GGCACATTTTAGTAAAAAATTTGATGCACTACAAAATGAGAATGAGTTGCTTCCAACATA-3'
Protein context (NP_001010892.1, residues 251-271): IFENISQDVK[Met261Thr]AHFSKKFDAL